The following is an entry in ClinVar:

NM_000551.4(VHL):c.596A>T (p.Glu199Val)

Genes: VHL (von Hippel-Lindau tumor suppressor; plus strand), LOC107303340 (3p25 von Hippel-Lindau tumor suppressor, E3 ubiquitin protein ligase Alu-mediated recombination region; plus strand). Cytogenetic location: 3p25.3.
Variant type: single nucleotide variant.
Coding change: c.596A>T on transcript NM_000551.4 (MANE Select); coding-DNA position 596, A replaced by T.
Protein change: p.Glu199Val; replaces glutamic acid 199 with valine.
Molecular consequence: missense variant. On other transcripts: 3 prime UTR variant (1).
Genome position (GRCh38, 1-based): chr3:10,149,919, A>T. VCF-style: chr3-10149919-A-T. GRCh37 (hg19) VCF-style: chr3-10191603-A-T.
Other names: c.*150A>T (NM_001354723.2); c.473A>T, p.Glu158Val (NM_198156.3); short protein forms E158V, E199V.
Identifiers: ClinVar variation 939692 (VCV000939692.10), dbSNP rs760690217, ClinGen allele CA351756563.
Genomic context (GRCh38, chr3:10,149,919, plus strand): 5'-ACATCGTCAGGTCGCTCTACGAAGATCTGGAAGACCACCCAAATGTGCAGAAAGACCTGG[A>T]GCGGCTGACACAGGAGCGCATTGCACATCAACGGATGGGAGATTGAAGATTTCTGTTGAA-3'
Protein context (NP_000542.1, residues 189-209): EDHPNVQKDL[Glu199Val]RLTQERIAHQ

ClinVar aggregate classification (germline): Uncertain significance (1 of 4 stars; one submission).

Conditions:
Von Hippel-Lindau syndrome (VHLS). Also called: VHL syndrome; Von Hippel-Lindau; von Hippel–Lindau syndrome. Identifiers: Orphanet 892, MedGen C0019562, MONDO:0008667, OMIM 193300. Disease mechanism: loss of function.
Chuvash polycythemia. Also called: POLYCYTHEMIA, VHL-DEPENDENT. Identifiers: Orphanet 238557, MedGen C1837915, MONDO:0009892, OMIM 263400.

Submission:

Labcorp Genetics (formerly Invitae), Labcorp
Classification: Uncertain significance for Von Hippel-Lindau syndrome; Chuvash polycythemia. Last evaluated: 2019-09-06. Review status: criteria provided, single submitter. Criteria: Invitae Variant Classification Sherloc (09022015). Collection method: clinical testing. Allele origin: germline.
Comment: This variant has not been reported in the literature in individuals with VHL-related conditions. Algorithms developed to predict the effect of missense changes on protein structure and function output the following: SIFT: "Tolerated"; PolyPhen-2: "Benign"; Align-GVGD: "Class C0". The valine amino acid residue is found in multiple mammalian species, suggesting that this missense change does not adversely affect protein function. These predictions have not been confirmed by published functional studies and their clinical significance is uncertain. Algorithms developed to predict the effect of sequence changes on RNA splicing suggest that this variant may create or strengthen a splice site, but this prediction has not been confirmed by published transcriptional studies. In summary, the available evidence is currently insufficient to determine the role of this variant in disease. Therefore, it has been classified as a Variant of Uncertain Significance. This variant is not present in population databases (ExAC no frequency). This sequence change replaces glutamic acid with valine at codon 199 of the VHL protein (p.Glu199Val). The glutamic acid residue is weakly conserved and there is a moderate physicochemical difference between glutamic acid and valine.